The following is an entry in ClinVar:

ClinVar aggregate classification (germline): Likely benign. Review status: criteria provided, single submitter (1 of 4 stars). 2 submissions from 2 submitters: Likely benign (1). 1 of the submissions does not count toward it. Last evaluated 2023-02-21.

Conditions:
Familial hypocalciuric hypercalcemia (FHH). Also called: Familial benign hypercalcemia. Identifiers: Orphanet 405, MedGen C1809471, MONDO:0018458.
Autosomal dominant hypocalcemia 1 (HYPOC1). Also called: HYPOCALCEMIA, FAMILIAL. Identifiers: MedGen C3715128, MONDO:0011013, OMIM 601198.

Submissions (2):

Labcorp Genetics (formerly Invitae), Labcorp
Classification: Likely benign for Familial hypocalciuric hypercalcemia; Autosomal dominant hypocalcemia 1. Last evaluated: 2023-02-21. Review status: criteria provided, single submitter. Criteria: Invitae Variant Classification Sherloc (09022015). Collection method: clinical testing. Allele origin: germline.

Martin Pollak Laboratory,  Beth Israel Deaconess Medical Center
Classification: Uncertain significance. Review status: no assertion criteria provided. Collection method: not provided. Allele origin: unknown. Not counted in ClinVar's aggregate classification.
Comment: Higher UCa2+ group
ClinVar note: Converted during submission from unknown to Uncertain significance.

NM_000388.4(CASR):c.501T>C (p.Tyr167=)

Gene: CASR (calcium sensing receptor; plus strand). Cytogenetic location: 3q21.1.
Variant type: single nucleotide variant.
Coding change: c.501T>C on transcript NM_000388.4 (MANE Select); coding-DNA position 501, T replaced by C.
Protein change: p.Tyr167=; no amino-acid change (tyrosine 167 retained).
Molecular consequence: synonymous variant.
Genome position (GRCh38, 1-based): chr3:122,261,536, T>C. VCF-style: chr3-122261536-T-C. GRCh37 (hg19) VCF-style: chr3-121980383-T-C.
Other names: c.501T>C, p.Tyr167= (NM_001178065.2).
Identifiers: ClinVar variation 64437 (VCV000064437.5), dbSNP rs387907394, ClinGen allele CA216138.